The following is an entry in ClinVar:

ClinVar aggregate classification (germline): Likely pathogenic/Pathogenic, low penetrance. Review status: criteria provided, multiple submitters, no conflicts (2 of 4 stars). 2 submissions from 2 submitters: Likely pathogenic (1); Pathogenic, low penetrance (1). Last evaluated 2025-09-26.

Conditions:
Atypical hemolytic-uremic syndrome. Identifiers: Orphanet 2134, MedGen C2931788, MONDO:0016244.

Allele frequency attached by ClinVar (database versions not stated): gnomAD exomes below 0.00001; TOPMed 0.00001.
gnomAD v4.1: 1 of 1,437,408 alleles (0.00007%); highest among the groups gnomAD compares: East Asian, 0.0023%; no homozygotes.

Submissions (2):

Genomenon, Inc
Classification: Pathogenic, low penetrance for Atypical hemolytic-uremic syndrome. Last evaluated: 2025-09-26. Review status: criteria provided, single submitter. Criteria: Genomenon Sequence Variant Interpretation Standards - Updated. Collection method: curation. Allele origin: germline. Affected: yes.
Comment: CFI c.904+1G>A is a canonical splice variant located in the donor splice region of intron 7. This variant has been observed in at least one proband affected with atypical hemolytic-uremic syndrome (PMID:27064621). It is absent or not present at a significant frequency in gnomAD. In conclusion, we classify CFI c.904+1G>A (c.904+1G>A) as a pathogenic, low penetrance variant.

Labcorp Genetics (formerly Invitae), Labcorp
Classification: Likely pathogenic. Last evaluated: 2023-12-20. Review status: criteria provided, single submitter. Criteria: Invitae Variant Classification Sherloc (09022015). Collection method: clinical testing. Allele origin: germline.
Comment: This sequence change affects a donor splice site in intron 7 of the CFI gene. It is expected to disrupt RNA splicing. Variants that disrupt the donor or acceptor splice site typically lead to a loss of protein function (PMID: 16199547), and loss-of-function variants in CFI are known to be pathogenic (PMID: 15917334, 16621965, 19065647, 20016463, 22710145). This variant is not present in population databases (gnomAD no frequency). This variant has not been reported in the literature in individuals affected with CFI-related conditions. Algorithms developed to predict the effect of sequence changes on RNA splicing suggest that this variant may disrupt the consensus splice site. In summary, the currently available evidence indicates that the variant is pathogenic, but additional data are needed to prove that conclusively. Therefore, this variant has been classified as Likely Pathogenic.

Literature cited by the submitters: PubMed 27064621 (cited by Genomenon, Inc); PubMed 16199547 (cited by Labcorp Genetics (formerly Invitae), Labcorp); PubMed 15917334 (cited by Labcorp Genetics (formerly Invitae), Labcorp); PubMed 16621965 (cited by Labcorp Genetics (formerly Invitae), Labcorp); PubMed 19065647 (cited by Labcorp Genetics (formerly Invitae), Labcorp); PubMed 20016463 (cited by Labcorp Genetics (formerly Invitae), Labcorp); PubMed 22710145 (cited by Labcorp Genetics (formerly Invitae), Labcorp).

NM_000204.5(CFI):c.904+1G>A

Gene: CFI (complement factor I; minus strand). Cytogenetic location: 4q25.
Variant type: single nucleotide variant.
Coding change: c.904+1G>A on transcript NM_000204.5 (MANE Select); the canonical splice donor site of the intron after coding-DNA position 904, G replaced by A.
Molecular consequence: splice donor variant. On other transcripts: intron variant (4).
Genome position (GRCh38, 1-based): chr4:109,757,762, C>T on the plus strand (G>A on the coding strand, the complement: CFI is on the minus strand). VCF-style: chr4-109757762-C-T. GRCh37 (hg19) VCF-style: chr4-110678918-C-T.
Other names: c.883+2508G>A (NM_001375282.1, NM_001375280.1, NM_001375283.1 and 1 more transcripts); c.904+1G>A (NM_001375281.1, NM_001375279.1); c.928+1G>A (NM_001375278.1, NM_001318057.2); c.295+1G>A (NM_001375284.1).
Identifiers: ClinVar variation 2734668 (VCV002734668.4), dbSNP rs1303038263, ClinGen allele CA357860731.